The following is an entry in ClinVar:

NM_001393586.1(MYO7B):c.6086G>A (p.Arg2029Gln)

Gene: MYO7B (myosin VIIB; plus strand). Cytogenetic location: 2q14.3.
Variant type: single nucleotide variant.
Coding change: c.6086G>A on transcript NM_001393586.1 (MANE Select); coding-DNA position 6086, G replaced by A.
Protein change: p.Arg2029Gln; replaces arginine 2029 with glutamine.
Molecular consequence: missense variant.
Genome position (GRCh38, 1-based): chr2:127,636,287, G>A. VCF-style: chr2-127636287-G-A. GRCh37 (hg19) VCF-style: chr2-128393862-G-A.
Other names: c.6008G>A, p.Arg2003Gln (NM_001080527.2); c.2567G>A, p.Arg856Gln (NM_001393594.1); short protein forms R2003Q, R2029Q, R856Q.
Identifiers: ClinVar variation 3049752 (VCV003049752.2), dbSNP rs200072803, ClinGen allele CA1862532.

ClinVar aggregate classification (germline): Benign (0 of 4 stars; one submission).

Conditions:
MYO7B-related disorder. Also called: MYO7B-related condition.

Allele frequency attached by ClinVar (database versions not stated): ESP Exome Variant Server 0.00024; TOPMed 0.00053; gnomAD 0.00083; gnomAD exomes 0.00114; ExAC 0.00189; 1000 Genomes Project 0.00339; 1000 Genomes Project 30x 0.00359.
gnomAD v4.1: 1,822 of 1,613,562 alleles (0.11%); highest among the groups gnomAD compares: South Asian, 1%; 14 homozygotes.

Submission:

PreventionGenetics, part of Exact Sciences
Classification: Benign for MYO7B-related condition. Last evaluated: 2019-02-20. Review status: no assertion criteria provided. Collection method: clinical testing. Allele origin: germline.
Comment: This variant is classified as benign based on ACMG/AMP sequence variant interpretation guidelines (Richards et al. 2015 PMID: 25741868, with internal and published modifications).